The following is an entry in ClinVar:

NM_007118.4(TRIO):c.3226C>A (p.Leu1076Ile)

Gene: TRIO (trio Rho guanine nucleotide exchange factor; plus strand). Cytogenetic location: 5p15.2.
Variant type: single nucleotide variant.
Coding change: c.3226C>A on transcript NM_007118.4 (MANE Select); coding-DNA position 3226, C replaced by A.
Protein change: p.Leu1076Ile; replaces leucine 1076 with isoleucine.
Molecular consequence: missense variant. On other transcripts: non-coding transcript variant (1).
Genome position (GRCh38, 1-based): chr5:14,374,238, C>A. VCF-style: chr5-14374238-C-A. GRCh37 (hg19) VCF-style: chr5-14374347-C-A.
Other names: short protein forms L1076I.
Identifiers: ClinVar variation 3371208 (VCV003371208.1).

ClinVar aggregate classification (germline): Uncertain significance (1 of 4 stars; one submission).

Submission:

GeneDx
Classification: Uncertain significance. Last evaluated: 2024-04-08. Review status: criteria provided, single submitter. Criteria: GeneDx Variant Classification Process June 2021. Collection method: clinical testing. Allele origin: germline. Affected: yes.
Comment: Not observed at significant frequency in large population cohorts (gnomAD); In silico analysis indicates that this missense variant does not alter protein structure/function; Has not been previously published as pathogenic or benign to our knowledge